The following is an entry in ClinVar:

NM_006329.4(FBLN5):c.1051C>T (p.Arg351Trp)

Gene: FBLN5 (fibulin 5; minus strand). Cytogenetic location: 14q32.12.
Variant type: single nucleotide variant.
Coding change: c.1051C>T on transcript NM_006329.4 (MANE Select); coding-DNA position 1051, C replaced by T.
Protein change: p.Arg351Trp; replaces arginine 351 with tryptophan.
Molecular consequence: missense variant.
Genome position (GRCh38, 1-based): chr14:91,877,621, G>A on the plus strand (C>T on the coding strand, the complement: FBLN5 is on the minus strand). VCF-style: chr14-91877621-G-A. GRCh37 (hg19) VCF-style: chr14-92343965-G-A.
Other names: c.1174C>T, p.Arg392Trp (NM_001384158.1); c.1102C>T, p.Arg368Trp (NM_001384159.1); c.1051C>T, p.Arg351Trp (NM_001384160.1); c.883C>T, p.Arg295Trp (NM_001384161.1, NM_001384162.1); short protein forms R351W, R295W, R368W, R392W.
Identifiers: ClinVar variation 5481 (VCV000005481.22), dbSNP rs28939073, ClinGen allele CA213144.
Genomic context (GRCh38, chr14:91,877,621, plus strand): 5'-TGGCTTGCATTTGGAAGATGTCAGCGGGAACGGAGCGTCCTGACACCACGTCCATGTCCC[G>A]GTACAAGATGGTAAAGGGCTGGTCTCTGCAGCCAGGGTTCTCAGCAGGACACATACAGCG-3'
Protein context (NP_006320.2, residues 341-361): CRDQPFTILY[Arg351Trp]DMDVVSGRSV

ClinVar aggregate classification (germline): Uncertain significance. Review status: criteria provided, multiple submitters, no conflicts (2 of 4 stars). 11 submissions from 10 submitters: Uncertain significance (9). 2 of the submissions do not count toward it. Last evaluated 2025-12-06.

Conditions:
Cutis laxa, autosomal dominant 2 (ADCL2). Identifiers: Orphanet 90348, MedGen C3280794, MONDO:0013751, OMIM 614434.
Charcot-Marie-Tooth disease, demyelinating, IIA 1H. Also called: HEREDITARY MOTOR AND SENSORY NEUROPATHY, IH; CHARCOT-MARIE-TOOTH NEUROPATHY, TYPE 1H; NEUROPATHY, HEREDITARY, WITH OR WITHOUT AGE-RELATED MACULAR DEGENERATION; Charcot-Marie-Tooth disease, demyelinating, type 1H. Identifiers: MedGen C5676926, MONDO:0030689, OMIM 619764.
Cutis laxa, autosomal recessive, type 1A (ARCL1A). Also called: Autosomal recessive cutis laxa type IA. Identifiers: Orphanet 90349, MedGen C5848058, MONDO:0009052, OMIM 219100.
Macular degeneration, age-related, 3 (ARMD3). Identifiers: Orphanet 280598, MedGen C1837187, MONDO:0012145, OMIM 608895.
Age-related macular degeneration (ARMD). Also called: MACULAR DEGENERATION, AGE-RELATED, REDUCED RISK OF. Identifiers: MedGen C0242383, MONDO:0005150.
Cutis laxa. Identifiers: Orphanet 209, MedGen C0010495, MONDO:0016175, HP:0000973.

Allele frequency attached by ClinVar (database versions not stated): ExAC 0.00007; gnomAD exomes 0.00008; gnomAD 0.00010 and 0.00011; TOPMed 0.00015.
gnomAD v4.1: 131 of 1,613,952 alleles (0.0081%); highest among the groups gnomAD compares: Admixed American, 0.032%; no homozygotes.

Submissions (11):

Labcorp Genetics (formerly Invitae), Labcorp
Classification: Uncertain significance. Last evaluated: 2025-12-06. Review status: criteria provided, single submitter. Criteria: Invitae Variant Classification Sherloc (09022015). Collection method: clinical testing. Allele origin: germline.
Comment: This sequence change replaces arginine, which is basic and polar, with tryptophan, which is neutral and slightly polar, at codon 351 of the FBLN5 protein (p.Arg351Trp). This variant is present in population databases (rs28939073, gnomAD 0.03%). This missense change has been observed in individual(s) with age-related macular degeneration (PMID: 15269314, 37761846). ClinVar contains an entry for this variant (Variation ID: 5481). Invitae Evidence Modeling of protein sequence and biophysical properties (such as structural, functional, and spatial information, amino acid conservation, physicochemical variation, residue mobility, and thermodynamic stability) indicates that this missense variant is not expected to disrupt FBLN5 protein function with a negative predictive value of 80%. Experimental studies have shown that this missense change does not substantially affect FBLN5 function (PMID: 16652333). In summary, the available evidence is currently insufficient to determine the role of this variant in disease. Therefore, it has been classified as a Variant of Uncertain Significance.

Women's Health and Genetics/Laboratory Corporation of America, LabCorp
Classification: Uncertain significance. Last evaluated: 2025-08-19. Review status: criteria provided, single submitter. Criteria: LabCorp Variant Classification Summary - May 2015. Collection method: clinical testing. Allele origin: germline.
Comment: Variant summary: FBLN5 c.1051C>T (p.Arg351Trp) results in a non-conservative amino acid change in the encoded protein sequence. Algorithms developed to predict the effect of missense changes on protein structure and function all suggest that this variant is likely to be disruptive. The variant allele was found at a frequency of 7.6e-05 in 251396 control chromosomes. This frequency is not significantly higher than estimated for a pathogenic variant in FBLN5 causing FBLN5-Related Disorders, allowing no conclusion about variant significance. c.1051C>T has been observed in individuals affected with FBLN5-Related Disorders (Stone_2004, Wasowska_2023). These data indicate that the variant may be associated with disease. At least one publication reports experimental evidence evaluating an impact on protein function, however, does not allow convincing conclusions about the variant effect (Jones_2010, Lotery_2007). The following publications have been ascertained in the context of this evaluation (PMID: 20007835, 16652333, 15269314, 37761846). ClinVar contains an entry for this variant (Variation ID: 5481). Based on the evidence outlined above, the variant was classified as VUS-possibly pathogenic.

Mayo Clinic Laboratories, Mayo Clinic
Classification: Uncertain significance. Last evaluated: 2025-03-12. Review status: criteria provided, single submitter. Criteria: ACMG Guidelines, 2015. Collection method: clinical testing. Allele origin: germline. Observed: 1 variant allele.
Comment: PP3

Fulgent Genetics
Classification: Uncertain significance for Cutis laxa, autosomal recessive, type 1A; Macular degeneration, age-related, 3; Cutis laxa, autosomal dominant 2; Charcot-Marie-Tooth disease, demyelinating, IIA 1H. Last evaluated: 2021-10-15. Review status: criteria provided, single submitter. Criteria: ACMG Guidelines, 2015. Collection method: clinical testing. Allele origin: unknown.

GeneDx
Classification: Uncertain significance. Last evaluated: 2021-08-18. Review status: criteria provided, single submitter. Criteria: GeneDx Variant Classification Process June 2021. Collection method: clinical testing. Allele origin: germline. Affected: yes.
Comment: Identified in a patient with age-related macular degeneration in the published literature (Stone et al., 2004) Functional data suggests that R351W indicates increased self-association of the dimers (Jones et al., 2010), though additional studies are need to elucidate the pathogenicity of R351W In silico analysis supports that this missense variant has a deleterious effect on protein structure/function Reported in ClinVar as a variant of uncertain significance (ClinVar Variant ID# 5481; Landrum et al., 2016) This variant is associated with the following publications: (PMID: 20007835, 15269314, 21576112)

Mendelics
Classification: Uncertain significance for Macular degeneration, age-related, 3. Last evaluated: 2019-05-28. Review status: criteria provided, single submitter. Criteria: Mendelics Assertion Criteria 2017. Collection method: clinical testing. Allele origin: unknown.

Laboratorio de Genetica e Diagnostico Molecular, Hospital Israelita Albert Einstein
Classification: Uncertain significance. Last evaluated: 2019-04-22. Review status: criteria provided, single submitter. Criteria: ACMG Guidelines, 2015. Collection method: clinical testing. Allele origin: germline. Affected: yes.
Comment: ACMG classification criteria: PM2, PP3

Illumina Laboratory Services, Illumina
Classification: Uncertain significance for Macular degeneration, age-related, 3. Last evaluated: 2017-04-27. Review status: criteria provided, single submitter. Criteria: ICSL Variant Classification Criteria 13 December 2019. Collection method: clinical testing. Allele origin: germline.
Comment: This variant was observed as part of a predisposition screen in an ostensibly healthy population. A literature search was performed for the gene, cDNA change, and amino acid change (where applicable). Publications were found based on this search. However, the evidence from the literature, in combination with allele frequency data from public databases where available, was not sufficient to rule this variant in or out of causing disease. Therefore, this variant is classified as a variant of unknown significance.

Illumina Laboratory Services, Illumina
Classification: Uncertain significance for Cutis laxa. Last evaluated: 2017-04-27. Review status: criteria provided, single submitter. Criteria: ICSL Variant Classification Criteria 13 December 2019. Collection method: clinical testing. Allele origin: germline.
Comment: the same text as in the submission from Illumina Laboratory Services, Illumina above.

Inherited Neuropathy Consortium Ii, University Of Miami
Classification: Uncertain significance. Last evaluated: 2016-01-06. Review status: no assertion criteria provided. Collection method: literature only. Allele origin: germline. Affected: yes. Not counted in ClinVar's aggregate classification.

OMIM
Classification: Pathogenic for MACULAR DEGENERATION, AGE-RELATED, 3. Last evaluated: 2004-07-22. Review status: no assertion criteria provided. Collection method: literature only. Allele origin: germline. Not counted in ClinVar's aggregate classification.

Literature cited by the submitters: PubMed 15269314 (cited by 6 submitters); PubMed 37761846 (cited by 3 submitters); PubMed 16652333 (cited by 4 submitters); PubMed 20007835 (cited by 3 submitters); PubMed 29412171 (cited by Mayo Clinic Laboratories, Mayo Clinic).